The following is an entry in ClinVar:

ClinVar aggregate classification (germline): Conflicting classifications of pathogenicity. Review status: criteria provided, conflicting classifications (1 of 4 stars). 3 submissions from 3 submitters: Uncertain significance (1); Likely benign (2). Last evaluated 2025-08-03.

Conditions:
Wolcott-Rallison dysplasia. Also called: MED-IDDM SYNDROME; Wolcott-Rallison syndrome. Identifiers: Orphanet 1667, MedGen C0432217, MONDO:0009192, OMIM 226980.

Allele frequency attached by ClinVar (database versions not stated): gnomAD exomes 0.00001 and 0.00052; TOPMed 0.00002.
gnomAD v4.1: 51 of 100,600 alleles (0.051%); highest among the groups gnomAD compares: Middle Eastern, 1.1%; no homozygotes.

Submissions (3):

Labcorp Genetics (formerly Invitae), Labcorp
Classification: Likely benign. Last evaluated: 2025-08-03. Review status: criteria provided, single submitter. Criteria: Invitae Variant Classification Sherloc (09022015). Collection method: clinical testing. Allele origin: germline.

CeGaT Center for Human Genetics Tuebingen
Classification: Likely benign. Last evaluated: 2024-02-01. Review status: criteria provided, single submitter. Criteria: CeGaT Center For Human Genetics Tuebingen Variant Classification Criteria Version 2. Collection method: clinical testing. Allele origin: germline. Affected: yes. Observed: 2 variant alleles.
Comment: EIF2AK3: BP4, BP7

Fulgent Genetics
Classification: Uncertain significance for Wolcott-Rallison dysplasia. Last evaluated: 2022-02-16. Review status: criteria provided, single submitter. Criteria: ACMG Guidelines, 2015. Collection method: clinical testing. Allele origin: unknown.

NM_004836.7(EIF2AK3):c.63G>A (p.Leu21=)

Gene: EIF2AK3 (eukaryotic translation initiation factor 2 alpha kinase 3; minus strand). Cytogenetic location: 2p11.2.
Variant type: single nucleotide variant.
Coding change: c.63G>A on transcript NM_004836.7 (MANE Select); coding-DNA position 63, G replaced by A.
Protein change: p.Leu21=; no amino-acid change (leucine 21 retained).
Molecular consequence: synonymous variant.
Genome position (GRCh38, 1-based): chr2:88,627,212, C>T on the plus strand (G>A on the coding strand, the complement: EIF2AK3 is on the minus strand). VCF-style: chr2-88627212-C-T. GRCh37 (hg19) VCF-style: chr2-88926730-C-T.
Identifiers: ClinVar variation 1377842 (VCV001377842.32), dbSNP rs984341375, ClinGen allele CA51963762.